The following is an entry in ClinVar:

ClinVar aggregate classification (germline): Conflicting classifications of pathogenicity. Review status: criteria provided, conflicting classifications (1 of 4 stars). 11 submissions from 11 submitters: Uncertain significance (1); Benign (2); Likely benign (7). 1 of the submissions does not count toward it. Last evaluated 2026-04-01.

Conditions:
ZNF469-related disorder. Also called: ZNF469-related condition.
Cardiovascular phenotype. Identifiers: MedGen CN230736.
Ehlers-Danlos syndrome (EDS). Identifiers: Orphanet 98249, MedGen C0013720, MONDO:0020066.
Brittle cornea syndrome 1 (BCS1). Also called: Corneal fragility keratoglobus, blue sclerae AND joint hypermobility; DYSGENESIS MESODERMALIS CORNEAE ET SCLERAE; FRAGILITAS OCULI WITH JOINT HYPEREXTENSIBILITY; CORNEAL FRAGILITY, KERATOGLOBUS, BLUE SCLERAE, JOINT HYPEREXTENSIBILITY; EDS6B. Identifiers: Orphanet 90354, MedGen C0268344, MONDO:0024543, OMIM 229200.

Allele frequency attached by ClinVar (database versions not stated): 1000 Genomes Project 0.00020; 1000 Genomes Project 30x 0.00047; ExAC 0.00097; gnomAD exomes 0.00104 and 0.00213; gnomAD 0.00177 and 0.00185; TOPMed 0.00238.
gnomAD v4.1: 3,249 of 1,549,976 alleles (0.21%); highest among the groups gnomAD compares: Admixed American, 0.31%; 6 homozygotes.

Submissions (11):

Women's Health and Genetics/Laboratory Corporation of America, LabCorp
Classification: Likely benign. Last evaluated: 2026-04-01. Review status: criteria provided, single submitter. Criteria: LabCorp Variant Classification Summary - May 2015. Collection method: clinical testing. Allele origin: germline.
Comment: Variant summary: ZNF469 c.10700G>A (p.Gly3567Glu) results in a non-conservative amino acid change in the encoded protein sequence. Algorithms developed to predict the effect of missense changes on protein structure and function are either unavailable or do not agree on the potential impact of this missense change. The variant allele was found at a frequency of 0.0021 in 1549976 control chromosomes, predominantly at a frequency of 0.0031 within the Non-Finnish European subpopulation in the gnomAD database, including 1 homozygotes. The observed variant frequency within Non-Finnish European control individuals in the gnomAD database exceeds the estimated maximal expected allele frequency for disease-causing variants in ZNF469. To our knowledge, no occurrence of c.10700G>A in individuals affected with ZNF469-related conditions and no experimental evidence demonstrating its impact on protein function have been reported. ClinVar contains an entry for this variant (Variation ID: 291241). Based on the evidence outlined above, the variant was classified as likely benign.

Labcorp Genetics (formerly Invitae), Labcorp
Classification: Likely benign. Last evaluated: 2026-02-03. Review status: criteria provided, single submitter. Criteria: Invitae Variant Classification Sherloc (09022015). Collection method: clinical testing. Allele origin: germline.

CeGaT Center for Human Genetics Tuebingen
Classification: Likely benign. Last evaluated: 2025-12-01. Review status: criteria provided, single submitter. Criteria: CeGaT Center For Human Genetics Tuebingen Variant Classification Criteria Version 2. Collection method: clinical testing. Allele origin: germline. Affected: yes. Observed: 10 variant alleles.
Comment: ZNF469: BP4, BS2

Blueprint Genetics
Classification: Likely benign. Last evaluated: 2024-11-08. Review status: criteria provided, single submitter. Criteria: ACMG Guidelines, 2015. Collection method: clinical testing. Allele origin: germline.

Mayo Clinic Laboratories, Mayo Clinic
Classification: Benign. Last evaluated: 2023-03-15. Review status: criteria provided, single submitter. Criteria: ACMG Guidelines, 2015. Collection method: clinical testing. Allele origin: germline. Observed: 9 variant alleles.
Comment: BS1, BP4_strong

GeneDx
Classification: Likely benign. Last evaluated: 2022-04-12. Review status: criteria provided, single submitter. Criteria: GeneDx Variant Classification Process June 2021. Collection method: clinical testing. Allele origin: germline. Affected: yes.

Department of Pathology and Laboratory Medicine, Sinai Health System
Classification: Likely benign for Brittle cornea syndrome 1. Last evaluated: 2021-07-30. Review status: criteria provided, single submitter. Criteria: ACMG Guidelines, 2015. Collection method: research. Allele origin: germline.

Ambry Genetics
Classification: Benign for Cardiovascular phenotype. Last evaluated: 2021-05-13. Review status: criteria provided, single submitter. Criteria: Ambry Variant Classification Scheme 2023. Collection method: clinical testing. Allele origin: germline.

Genome Diagnostics Laboratory, The Hospital for Sick Children
Classification: Likely benign for Ehlers-Danlos syndrome. Last evaluated: 2020-12-10. Review status: criteria provided, single submitter. Criteria: ACMG Guidelines, 2015. Collection method: clinical testing. Allele origin: germline.

Eurofins Ntd Llc (ga)
Classification: Uncertain significance. Last evaluated: 2016-09-15. Review status: criteria provided, single submitter. Criteria: EGL Classification Definitions 2015. Collection method: clinical testing. Allele origin: germline. Observed: 1 variant allele, 1 heterozygote.

PreventionGenetics, part of Exact Sciences
Classification: Likely benign for ZNF469-related condition. Last evaluated: 2022-07-15. Review status: no assertion criteria provided. Collection method: clinical testing. Allele origin: germline. Not counted in ClinVar's aggregate classification.
Comment: This variant is classified as likely benign based on ACMG/AMP sequence variant interpretation guidelines (Richards et al. 2015 PMID: 25741868, with internal and published modifications).

NM_001367624.2(ZNF469):c.10700G>A (p.Gly3567Glu)

Gene: ZNF469 (zinc finger protein 469; plus strand). Cytogenetic location: 16q24.2.
Variant type: single nucleotide variant.
Coding change: c.10700G>A on transcript NM_001367624.2 (MANE Select); coding-DNA position 10700, G replaced by A.
Protein change: p.Gly3567Glu; replaces glycine 3567 with glutamic acid.
Molecular consequence: missense variant.
Genome position (GRCh38, 1-based): chr16:88,438,170, G>A. VCF-style: chr16-88438170-G-A. GRCh37 (hg19) VCF-style: chr16-88504578-G-A.
Other names: NM_001127464.1:c.10616G>A; NM_001127464.2:c.10616G>A; p.Gly3567Glu; short protein forms G3567E.
Identifiers: ClinVar variation 291241 (VCV000291241.68), dbSNP rs199610834, ClinGen allele CA8225541.
Genomic context (GRCh38, chr16:88,438,170, plus strand): 5'-ACCAGGAGTGTCCCCCGCCGTCTCTGTCTCCCTTCCCAGCTGCCTTGGCTGATGGCAGAG[G>A]AGACTGCGCGCTGGACGGAGCCCTGGAGAGGCCAGAGAACGAGGCTTCCCCAGGCAGCCC-3'
Protein context (NP_001354553.1, residues 3557-3577): PFPAALADGR[Gly3567Glu]DCALDGALER